The following is an entry in ClinVar:

ClinVar aggregate classification (germline): Uncertain significance (1 of 4 stars; one submission).

Conditions:
Hereditary spastic paraplegia 61. Also called: Spastic paraplegia 61, autosomal recessive. Identifiers: Orphanet 401780, MedGen C3810294, MONDO:0014304, OMIM 615685.

Submission:

Labcorp Genetics (formerly Invitae), Labcorp
Classification: Uncertain significance for Hereditary spastic paraplegia 61. Last evaluated: 2022-07-15. Review status: criteria provided, single submitter. Criteria: Invitae Variant Classification Sherloc (09022015). Collection method: clinical testing. Allele origin: germline.
Comment: In summary, the available evidence is currently insufficient to determine the role of this variant in disease. Therefore, it has been classified as a Variant of Uncertain Significance. Algorithms developed to predict the effect of missense changes on protein structure and function are either unavailable or do not agree on the potential impact of this missense change (SIFT: "Deleterious"; PolyPhen-2: "Benign"; Align-GVGD: "Class C0"). This variant has not been reported in the literature in individuals affected with ARL6IP1-related conditions. This variant is not present in population databases (gnomAD no frequency). This sequence change replaces isoleucine, which is neutral and non-polar, with methionine, which is neutral and non-polar, at codon 108 of the ARL6IP1 protein (p.Ile108Met).

NM_015161.3(ARL6IP1):c.324T>G (p.Ile108Met)

Gene: ARL6IP1 (ARL6 interacting reticulophagy regulator 1; minus strand). Cytogenetic location: 16p12.3.
Variant type: single nucleotide variant.
Coding change: c.324T>G on transcript NM_015161.3 (MANE Select); coding-DNA position 324, T replaced by G.
Protein change: p.Ile108Met; replaces isoleucine 108 with methionine.
Molecular consequence: missense variant.
Genome position (GRCh38, 1-based): chr16:18,795,548, A>C on the plus strand (T>G on the coding strand, the complement: ARL6IP1 is on the minus strand). VCF-style: chr16-18795548-A-C. GRCh37 (hg19) VCF-style: chr16-18806870-A-C.
Other names: c.237T>G, p.Ile79Met (NM_001313858.1); short protein forms I79M, I108M.
Identifiers: ClinVar variation 1962152 (VCV001962152.5), dbSNP rs2506661608, ClinGen allele CA394910532.